The following is an entry in ClinVar:

ClinVar aggregate classification (germline): Uncertain significance. Review status: criteria provided, multiple submitters, no conflicts (2 of 4 stars). 2 submissions from 2 submitters: Uncertain significance (2). Last evaluated 2025-03-22.

Conditions:
Inborn genetic diseases. Identifiers: MedGen C0950123, MeSH D030342.

Allele frequency attached by ClinVar (database versions not stated): TOPMed 0.00001.

Submissions (2):

Ambry Genetics
Classification: Uncertain significance for Inborn genetic diseases. Last evaluated: 2025-03-22. Review status: criteria provided, single submitter. Criteria: Ambry Variant Classification Scheme 2023. Collection method: clinical testing. Allele origin: germline.

Labcorp Genetics (formerly Invitae), Labcorp
Classification: Uncertain significance. Last evaluated: 2022-01-27. Review status: criteria provided, single submitter. Criteria: Invitae Variant Classification Sherloc (09022015). Collection method: clinical testing. Allele origin: germline.
Comment: This variant has not been reported in the literature in individuals affected with TIMM50-related conditions. In summary, the available evidence is currently insufficient to determine the role of this variant in disease. Therefore, it has been classified as a Variant of Uncertain Significance. Algorithms developed to predict the effect of missense changes on protein structure and function are either unavailable or do not agree on the potential impact of this missense change (SIFT: "Not Available"; PolyPhen-2: "Probably Damaging"; Align-GVGD: "Not Available"). This variant is not present in population databases (gnomAD no frequency). This sequence change replaces threonine with alanine at codon 252 of the TIMM50 protein (p.Thr252Ala). The threonine residue is highly conserved and there is a small physicochemical difference between threonine and alanine.

NM_001001563.5(TIMM50):c.445A>G (p.Thr149Ala)

Gene: TIMM50 (translocase of inner mitochondrial membrane 50; plus strand). Cytogenetic location: 19q13.2.
Variant type: single nucleotide variant.
Coding change: c.445A>G on transcript NM_001001563.5 (MANE Select); coding-DNA position 445, A replaced by G.
Protein change: p.Thr149Ala; replaces threonine 149 with alanine.
Molecular consequence: missense variant.
Genome position (GRCh38, 1-based): chr19:39,485,760, A>G. VCF-style: chr19-39485760-A-G. GRCh37 (hg19) VCF-style: chr19-39976400-A-G.
Other names: c.754A>G (NM_001001563.1); c.106A>G, p.Thr36Ala (NM_001329559.2); short protein forms T149A, T36A.
Identifiers: ClinVar variation 1366834 (VCV001366834.9), dbSNP rs2079500866, ClinGen allele CA405787331.